The following is an entry in ClinVar:

NM_004656.4(BAP1):c.1846G>A (p.Val616Met)

Gene: BAP1 (BRCA1 associated deubiquitinase 1; minus strand). Cytogenetic location: 3p21.1.
Variant type: single nucleotide variant.
Coding change: c.1846G>A on transcript NM_004656.4 (MANE Select); coding-DNA position 1846, G replaced by A.
Protein change: p.Val616Met; replaces valine 616 with methionine.
Molecular consequence: missense variant.
Genome position (GRCh38, 1-based): chr3:52,403,182, C>T on the plus strand (G>A on the coding strand, the complement: BAP1 is on the minus strand). VCF-style: chr3-52403182-C-T. GRCh37 (hg19) VCF-style: chr3-52437198-C-T.
Other names: short protein forms V616M.
Identifiers: ClinVar variation 1445395 (VCV001445395.8), dbSNP rs2153226457, ClinGen allele CA353098200.

ClinVar aggregate classification (germline): Uncertain significance (1 of 4 stars; one submission).

Conditions:
BAP1-related tumor predisposition syndrome (TPDS1). Also called: COMMON Syndrome; TUMOR PREDISPOSITION SYNDROME 1; BAP1 tumor predisposition syndrome; Tumor susceptibility linked to germline BAP1 mutations. Identifiers: Orphanet 289539, MedGen C3280492, MONDO:0013692, OMIM 614327.

Submission:

Labcorp Genetics (formerly Invitae), Labcorp
Classification: Uncertain significance for BAP1-related tumor predisposition syndrome. Last evaluated: 2021-03-07. Review status: criteria provided, single submitter. Criteria: Invitae Variant Classification Sherloc (09022015). Collection method: clinical testing. Allele origin: germline.
Comment: This sequence change replaces valine with methionine at codon 616 of the BAP1 protein (p.Val616Met). The valine residue is weakly conserved and there is a small physicochemical difference between valine and methionine. This variant is not present in population databases (ExAC no frequency). This variant has not been reported in the literature in individuals with BAP1-related conditions. Algorithms developed to predict the effect of missense changes on protein structure and function (SIFT, PolyPhen-2, Align-GVGD) all suggest that this variant is likely to be tolerated, but these predictions have not been confirmed by published functional studies and their clinical significance is uncertain. In summary, the available evidence is currently insufficient to determine the role of this variant in disease. Therefore, it has been classified as a Variant of Uncertain Significance.